The following is an entry in ClinVar:

NM_033337.2(CAV3):c.-343G>A

Gene: CAV3 (caveolin 3; plus strand). Cytogenetic location: 3p25.3.
Variant type: single nucleotide variant.
Coding change: c.-343G>A on transcript NM_033337.2; 343 bases upstream of the start codon, G replaced by A.
Genome position (GRCh38, 1-based): chr3:8,733,534, G>A. VCF-style: chr3-8733534-G-A. GRCh37 (hg19) VCF-style: chr3-8775220-G-A.
Identifiers: ClinVar variation 669623 (VCV000669623.3), dbSNP rs147921048, ClinGen allele CA69861666.

ClinVar aggregate classification (germline): Likely benign (1 of 4 stars; one submission).

Allele frequency attached by ClinVar (database versions not stated): 1000 Genomes Project 30x 0.01265; TOPMed 0.01466; gnomAD 0.01368 and 0.01332; 1000 Genomes Project 0.01378.

Submission:

GeneDx
Classification: Likely benign. Last evaluated: 2018-06-14. Review status: criteria provided, single submitter. Criteria: GeneDx Variant Classification (06012015). Collection method: clinical testing. Allele origin: germline. Affected: yes.
Comment: This variant is considered likely benign or benign based on one or more of the following criteria: it is a conservative change, it occurs at a poorly conserved position in the protein, it is predicted to be benign by multiple in silico algorithms, and/or has population frequency not consistent with disease.